The following is an entry in ClinVar:

NM_000540.3(RYR1):c.9082G>T (p.Gly3028Cys)

Gene: RYR1 (ryanodine receptor 1; plus strand). Cytogenetic location: 19q13.2.
Variant type: single nucleotide variant.
Coding change: c.9082G>T on transcript NM_000540.3 (MANE Select); coding-DNA position 9082, G replaced by T.
Protein change: p.Gly3028Cys; replaces glycine 3028 with cysteine.
Molecular consequence: missense variant.
Genome position (GRCh38, 1-based): chr19:38,510,741, G>T. VCF-style: chr19-38510741-G-T. GRCh37 (hg19) VCF-style: chr19-39001381-G-T.
Other names: c.9082G>T, p.Gly3028Cys (NM_001042723.2); short protein forms G3028C.
Identifiers: ClinVar variation 3074265 (VCV003074265.1), dbSNP rs548280516, ClinGen allele CA405683868.
Genomic context (GRCh38, chr19:38,510,741, plus strand): 5'-CAGTACTTCACCAACCACTGCCTCTATTTCTTGTCCACTCCGGCTAAAGTGCTGGGCAGC[G>T]GTGGCCACGCCTCTAACAAGGAGAAGGAAATGATCACCAGGTGGGCCGCCTGTGACCCTG-3'
Protein context (NP_000531.2, residues 3018-3038): LSTPAKVLGS[Gly3028Cys]GHASNKEKEM

ClinVar aggregate classification (germline): Uncertain significance (1 of 4 stars; one submission).

Conditions:
Malignant hyperthermia, susceptibility to, 1 (MHS1). Also called: Anesthesia related hyperthermia; Malignant hyperpyrexia; Fulminating hyperpyrexia; Pharmacogenic myopathy; RYR1-Related Malignant Hyperthermia Susceptibility; Malignant hyperthermia suceptibility 1. Identifiers: Orphanet 423, MedGen C2930980, MONDO:0007783, OMIM 145600.

Submission:

All of Us Research Program, National Institutes of Health
Classification: Uncertain significance for Malignant hyperthermia, susceptibility to, 1. Last evaluated: 2023-12-01. Review status: criteria provided, single submitter. Criteria: ACMG Guidelines, 2015. Collection method: clinical testing. Allele origin: germline. Inheritance: Autosomal dominant inheritance. Observed: 1 variant allele, 1 heterozygote.
Comment: This study involves interpretation of variants in research participants for the purpose of population health screening. Participant phenotype was not available at the time of variant classification. Additional details can be found in publication PMID: 35346344, PMCID: PMC8962531